The following is an entry in ClinVar:

NM_007194.4(CHEK2):c.92C>G (p.Ser31Cys)

Gene: CHEK2 (checkpoint kinase 2; minus strand). Cytogenetic location: 22q12.1.
Variant type: single nucleotide variant.
Coding change: c.92C>G on transcript NM_007194.4 (MANE Select); coding-DNA position 92, C replaced by G.
Protein change: p.Ser31Cys; replaces serine 31 with cysteine.
Molecular consequence: missense variant.
Genome position (GRCh38, 1-based): chr22:28,734,630, G>C on the plus strand (C>G on the coding strand, the complement: CHEK2 is on the minus strand). VCF-style: chr22-28734630-G-C. GRCh37 (hg19) VCF-style: chr22-29130618-G-C.
Other names: c.92C>G, p.Ser31Cys (NM_001005735.3, NM_001349956.3, NM_145862.3); c.-686C>G (NM_001257387.3); short protein forms S31C.
Identifiers: ClinVar variation 2818663 (VCV002818663.3), dbSNP rs1555932714, ClinGen allele CA411091557.

ClinVar aggregate classification (germline): Uncertain significance (1 of 4 stars; one submission).

Conditions:
Familial cancer of breast. Also called: BREAST CANCER, FAMILIAL; hereditary breast carcinoma; Hereditary breast cancer. Identifiers: Orphanet 227535, MedGen C0346153, MONDO:0016419, OMIM 114480. Disease mechanism: loss of function.

Submission:

Labcorp Genetics (formerly Invitae), Labcorp
Classification: Uncertain significance for Familial cancer of breast. Last evaluated: 2022-12-04. Review status: criteria provided, single submitter. Criteria: Invitae Variant Classification Sherloc (09022015). Collection method: clinical testing. Allele origin: germline.
Comment: In summary, the available evidence is currently insufficient to determine the role of this variant in disease. Therefore, it has been classified as a Variant of Uncertain Significance. Algorithms developed to predict the effect of missense changes on protein structure and function are either unavailable or do not agree on the potential impact of this missense change (SIFT: "Deleterious"; PolyPhen-2: "Benign"; Align-GVGD: "Class C15"). This variant has not been reported in the literature in individuals affected with CHEK2-related conditions. This variant is not present in population databases (gnomAD no frequency). This sequence change replaces serine, which is neutral and polar, with cysteine, which is neutral and slightly polar, at codon 31 of the CHEK2 protein (p.Ser31Cys).